The following is an entry in ClinVar:

NM_000548.5(TSC2):c.2989A>C (p.Ser997Arg)

Gene: TSC2 (TSC complex subunit 2; plus strand). Cytogenetic location: 16p13.3.
Variant type: single nucleotide variant.
Coding change: c.2989A>C on transcript NM_000548.5 (MANE Select); coding-DNA position 2989, A replaced by C.
Protein change: p.Ser997Arg; replaces serine 997 with arginine.
Molecular consequence: missense variant.
Genome position (GRCh38, 1-based): chr16:2,079,054, A>C. VCF-style: chr16-2079054-A-C. GRCh37 (hg19) VCF-style: chr16-2129055-A-C.
Other names: c.2857A>C, p.Ser953Arg (NM_001370404.1, NM_001406665.1, NM_001077183.3); c.2860A>C, p.Ser954Arg (NM_001370405.1, NM_001363528.2, NM_021055.3); c.2986A>C, p.Ser996Arg (NM_001406663.1, NM_001406664.1); c.2950A>C, p.Ser984Arg (NM_001406667.1); c.2947A>C, p.Ser983Arg (NM_001406668.1); c.2878A>C, p.Ser960Arg (NM_001406670.1); c.2848A>C, p.Ser950Arg (NM_001406671.1); c.2845A>C, p.Ser949Arg (NM_001406673.1); and 18 more; short protein forms S917R, S948R, S949R, S950R, S964R, S984R, S549R, S754R.
Identifiers: ClinVar variation 2130967 (VCV002130967.5), dbSNP rs1555510209, ClinGen allele CA394283659.

ClinVar aggregate classification (germline): Uncertain significance. Review status: criteria provided, multiple submitters, no conflicts (2 of 4 stars). 2 submissions from 2 submitters: Uncertain significance (2). Last evaluated 2026-07-02.

Conditions:
Tuberous sclerosis 2 (TSC2). Identifiers: Orphanet 805, MedGen C1860707, MONDO:0013199, OMIM 613254.
Hereditary cancer-predisposing syndrome. Also called: Tumor predisposition; Hereditary Cancer Syndrome; Hereditary neoplastic syndrome; Neoplastic Syndromes, Hereditary. Identifiers: Orphanet 140162, MedGen C0027672, MeSH D009386, MONDO:0015356.

Submissions (2):

Ambry Genetics
Classification: Uncertain significance for Hereditary cancer-predisposing syndrome. Last evaluated: 2026-07-02. Review status: criteria provided, single submitter. Criteria: Ambry Variant Classification Scheme 2023. Collection method: clinical testing. Allele origin: germline.
Comment: The p.S997R variant (also known as c.2989A>C), located in coding exon 26 of the TSC2 gene, results from an A to C substitution at nucleotide position 2989. The serine at codon 997 is replaced by arginine, an amino acid with dissimilar properties. This amino acid position is conserved. In addition, this alteration is predicted to be deleterious by in silico analysis. Based on the available evidence, the clinical significance of this variant remains unclear.

Labcorp Genetics (formerly Invitae), Labcorp
Classification: Uncertain significance for Tuberous sclerosis 2. Last evaluated: 2025-02-16. Review status: criteria provided, single submitter. Criteria: Invitae Variant Classification Sherloc (09022015). Collection method: clinical testing. Allele origin: germline.
Comment: This sequence change replaces serine, which is neutral and polar, with arginine, which is basic and polar, at codon 997 of the TSC2 protein (p.Ser997Arg). This variant is not present in population databases (gnomAD no frequency). This variant has not been reported in the literature in individuals affected with TSC2-related conditions. ClinVar contains an entry for this variant (Variation ID: 2130967). Invitae Evidence Modeling of protein sequence and biophysical properties (such as structural, functional, and spatial information, amino acid conservation, physicochemical variation, residue mobility, and thermodynamic stability) indicates that this missense variant is not expected to disrupt TSC2 protein function with a negative predictive value of 95%. In summary, the available evidence is currently insufficient to determine the role of this variant in disease. Therefore, it has been classified as a Variant of Uncertain Significance.